The following is an entry in ClinVar:

NM_003851.3(CREG1):c.132C>T (p.Ser44=)

Genes: CREG1 (cellular repressor of E1A stimulated genes 1; minus strand), LOC129931856 (ATAC-STARR-seq lymphoblastoid silent region 1530; plus strand). Cytogenetic location: 1q24.2.
Variant type: single nucleotide variant.
Coding change: c.132C>T on transcript NM_003851.3 (MANE Select); coding-DNA position 132, C replaced by T.
Protein change: p.Ser44=; no amino-acid change (serine 44 retained).
Molecular consequence: synonymous variant.
Genome position (GRCh38, 1-based): chr1:167,553,610, G>A on the plus strand (C>T on the coding strand, the complement: CREG1 is on the minus strand). VCF-style: chr1-167553610-G-A. GRCh37 (hg19) VCF-style: chr1-167522847-G-A.
Identifiers: ClinVar variation 3060330 (VCV003060330.2), dbSNP rs547663782, ClinGen allele CA32374718.

ClinVar aggregate classification (germline): Likely benign (0 of 4 stars; one submission).

Conditions:
CREG1-related disorder. Also called: CREG1-related condition.

Allele frequency attached by ClinVar (database versions not stated): TOPMed 0.00003; gnomAD 0.00007; gnomAD exomes 0.00016; 1000 Genomes Project 30x 0.00078; 1000 Genomes Project 0.00100.
gnomAD v4.1: 211 of 1,410,552 alleles (0.015%); highest among the groups gnomAD compares: East Asian, 0.64%; 2 homozygotes.

Submission:

PreventionGenetics, part of Exact Sciences
Classification: Likely benign for CREG1-related condition. Last evaluated: 2019-04-12. Review status: no assertion criteria provided. Collection method: clinical testing. Allele origin: germline.
Comment: This variant is classified as likely benign based on ACMG/AMP sequence variant interpretation guidelines (Richards et al. 2015 PMID: 25741868, with internal and published modifications).